The following is an entry in ClinVar:

NM_194255.4(SLC19A1):c.1309G>T (p.Val437Leu)

Gene: SLC19A1 (solute carrier family 19 member 1; minus strand). Cytogenetic location: 21q22.3.
Variant type: single nucleotide variant.
Coding change: c.1309G>T on transcript NM_194255.4 (MANE Select); coding-DNA position 1309, G replaced by T.
Protein change: p.Val437Leu; replaces valine 437 with leucine.
Molecular consequence: missense variant. On other transcripts: intron variant (2).
Genome position (GRCh38, 1-based): chr21:45,516,125, C>A on the plus strand (G>T on the coding strand, the complement: SLC19A1 is on the minus strand). VCF-style: chr21-45516125-C-A. GRCh37 (hg19) VCF-style: chr21-46936039-C-A.
Other names: c.1189G>T, p.Val397Leu (NM_001205207.3); c.955G>T, p.Val319Leu (NM_001352510.2); c.1309G>T, p.Val437Leu (NM_001352512.2); c.1294-973G>T (NM_001352511.3, NM_001205206.4); short protein forms V397L, V319L, V437L.
Identifiers: ClinVar variation 2178336 (VCV002178336.4), dbSNP rs745527688, ClinGen allele CA10068320.

ClinVar aggregate classification (germline): Uncertain significance (1 of 4 stars; one submission).

gnomAD v4.1: 19 of 1,606,752 alleles (0.0012%); highest among the groups gnomAD compares: Middle Eastern, 0.016%; no homozygotes.

Submission:

Labcorp Genetics (formerly Invitae), Labcorp
Classification: Uncertain significance. Last evaluated: 2024-09-30. Review status: criteria provided, single submitter. Criteria: Invitae Variant Classification Sherloc (09022015). Collection method: clinical testing. Allele origin: germline.
Comment: This sequence change replaces valine, which is neutral and non-polar, with leucine, which is neutral and non-polar, at codon 437 of the SLC19A1 protein (p.Val437Leu). The frequency data for this variant in the population databases is considered unreliable, as metrics indicate poor data quality at this position in the gnomAD database. This variant has not been reported in the literature in individuals affected with SLC19A1-related conditions. ClinVar contains an entry for this variant (Variation ID: 2178336). An algorithm developed to predict the effect of missense changes on protein structure and function (PolyPhen-2) suggests that this variant is likely to be tolerated. In summary, the available evidence is currently insufficient to determine the role of this variant in disease. Therefore, it has been classified as a Variant of Uncertain Significance.